The following is an entry in ClinVar:

ClinVar aggregate classification (germline): Uncertain significance (1 of 4 stars; one submission).

Conditions:
Catecholaminergic polymorphic ventricular tachycardia 1. Also called: VENTRICULAR TACHYCARDIA, STRESS-INDUCED POLYMORPHIC 1; VENTRICULAR TACHYCARDIA, CATECHOLAMINERGIC POLYMORPHIC, 1, WITH OR WITHOUT ATRIAL DYSFUNCTION AND/OR DILATED CARDIOMYOPATHY; RYR2-Related Catecholaminergic Polymorphic Ventricular Tachycardia. Identifiers: Orphanet 3286, MedGen C1631597, MONDO:0011484, OMIM 604772.

Submission:

Labcorp Genetics (formerly Invitae), Labcorp
Classification: Uncertain significance for Catecholaminergic polymorphic ventricular tachycardia 1. Last evaluated: 2017-01-17. Review status: criteria provided, single submitter. Criteria: Invitae Variant Classification Sherloc (09022015). Collection method: clinical testing. Allele origin: germline.
Comment: This sequence change replaces serine with proline at codon 2393 of the RYR2 protein (p.Ser2393Pro). The serine residue is weakly conserved and there is a moderate physicochemical difference between serine and proline. This variant is not present in population databases (ExAC no frequency) and has not been reported in the literature in individuals with a RYR2-related disease. Algorithms developed to predict the effect of missense changes on protein structure and function do not agree on the potential impact of this missense change (SIFT: "Deleterious"; PolyPhen-2: "Possibly Damaging"; Align-GVGD: "Class C0"). This variant occurs within one of the three regions of the RYR2 gene (N-terminal domain, central domain, or channel region) where other pathogenic variants have been reported to cluster (PMID: 19926015). In summary, this variant is a novel missense change with uncertain impact on protein function. It has been classified as a Variant of Uncertain Significance.

Literature cited by the submitters: PubMed 19926015.

NM_001035.3(RYR2):c.7177T>C (p.Ser2393Pro)

Gene: RYR2 (ryanodine receptor 2; plus strand). Cytogenetic location: 1q43.
Variant type: single nucleotide variant.
Coding change: c.7177T>C on transcript NM_001035.3 (MANE Select); coding-DNA position 7177, T replaced by C.
Protein change: p.Ser2393Pro; replaces serine 2393 with proline.
Molecular consequence: missense variant.
Genome position (GRCh38, 1-based): chr1:237,640,958, T>C. VCF-style: chr1-237640958-T-C. GRCh37 (hg19) VCF-style: chr1-237804258-T-C.
Other names: c.7177T>C, p.Ser2393Pro (LRG_402t1); short protein forms S2393P.
Identifiers: ClinVar variation 463631 (VCV000463631.10), dbSNP rs1553264716, ClinGen allele CA345396726.
Genomic context (GRCh38, chr1:237,640,958, plus strand): 5'-GACACAGAGGAGGAGGAAGATGACACTATCCACATGGGGAACGCGATCATGACCTTCTAT[T>C]CAGCTTTGATTGACCTCTTGGGACGCTGTGCTCCTGAGATGCATGTGAGTTTCTGGGAGT-3'
Protein context (NP_001026.2, residues 2383-2403): HMGNAIMTFY[Ser2393Pro]ALIDLLGRCA